The following is an entry in ClinVar:

ClinVar aggregate classification (germline): Uncertain significance (1 of 4 stars; one submission).

Submission:

Labcorp Genetics (formerly Invitae), Labcorp
Classification: Uncertain significance. Last evaluated: 2022-07-19. Review status: criteria provided, single submitter. Criteria: Invitae Variant Classification Sherloc (09022015). Collection method: clinical testing. Allele origin: germline.
Comment: This sequence change replaces arginine, which is basic and polar, with glycine, which is neutral and non-polar, at codon 140 of the TTLL5 protein (p.Arg140Gly). This variant is not present in population databases (gnomAD no frequency). This variant has not been reported in the literature in individuals affected with TTLL5-related conditions. ClinVar contains an entry for this variant (Variation ID: 1426678). Algorithms developed to predict the effect of missense changes on protein structure and function are either unavailable or do not agree on the potential impact of this missense change (SIFT: "Deleterious"; PolyPhen-2: "Probably Damaging"; Align-GVGD: "Class C15"). In summary, the available evidence is currently insufficient to determine the role of this variant in disease. Therefore, it has been classified as a Variant of Uncertain Significance.

NM_015072.5(TTLL5):c.418C>G (p.Arg140Gly)

Gene: TTLL5 (tubulin tyrosine ligase like 5; plus strand). Cytogenetic location: 14q24.3.
Variant type: single nucleotide variant.
Coding change: c.418C>G on transcript NM_015072.5 (MANE Select); coding-DNA position 418, C replaced by G.
Protein change: p.Arg140Gly; replaces arginine 140 with glycine.
Molecular consequence: missense variant.
Genome position (GRCh38, 1-based): chr14:75,690,238, C>G. VCF-style: chr14-75690238-C-G. GRCh37 (hg19) VCF-style: chr14-76156581-C-G.
Other names: short protein forms R140G.
Identifiers: ClinVar variation 1426678 (VCV001426678.8), dbSNP rs1411713248, ClinGen allele CA390453639.